The following is an entry in ClinVar:

ClinVar aggregate classification (germline): Uncertain significance. Review status: reviewed by expert panel (3 of 4 stars). 2 submissions from 2 submitters: Uncertain significance (1). 1 of the submissions does not count toward it. Last evaluated 2025-02-04.

Conditions:
von Willebrand disease type 2 (VWD2). Also called: VON WILLEBRAND DISEASE, TYPE II; VWD, TYPE 2; VON WILLEBRAND DISEASE, TYPE 2A/IIE; VON WILLEBRAND DISEASE, TYPE 2CB. Identifiers: Orphanet 166081, Orphanet 903, MedGen C1264040, MONDO:0013304, OMIM 613554.

Submissions (2):

ClinGen von Willebrand Disease Variant Curation Expert Panel, ClinGen
Classification: Uncertain significance for von Willebrand disease type 2. Last evaluated: 2025-02-04. Review status: reviewed by expert panel. Criteria: ClinGen VWD 2A B M Rules. Collection method: curation. Allele origin: germline. Inheritance: Autosomal dominant inheritance.
Comment: The NM_000552.5(VWF):c.3515G>T (p.Gly1172Val) missense variant is absent from gnomAD v4.1 (PM2_Supporting). The computational predictor REVEL gives a score of 0.839, which is above the ClinGen VWD VCEP threshold of >0.644 and predicts a damaging effect on VWF function (PP3). One type 2A patient with VWF:RCo/VWF:Ag <0.6 has been reported (PMID: 26986123; PS4_supporting). A type 2B case was reported (PMID: 35452508) with this variant as well as Arg1308Cys (Classified pathogenic for type 2B by the VWD VCEP; BP5). In summary, the variant meets the criteria to be classified as a Variant of Uncertain Significance for von Willebrand disease type 2 based on the ACMG/AMP criteria applied, as specified by the ClinGen VWD VCEP: BP5, PS4_Supporting, PP3, and PM2_Supporting.

Angelo Bianchi Bonomi Hemophilia and Thrombosis Center, Fondazione IRCCS Ca Granda Ospedale Maggiore Policlinico
Classification: Likely pathogenic for von Willebrand disease type 2. Last evaluated: 2022-04-26. Review status: no assertion criteria provided. Collection method: clinical testing. Allele origin: germline. Affected: yes. Not counted in ClinVar's aggregate classification.

NM_000552.5(VWF):c.3515G>T (p.Gly1172Val)

Gene: VWF (von Willebrand factor; minus strand). Cytogenetic location: 12p13.31.
Variant type: single nucleotide variant.
Coding change: c.3515G>T on transcript NM_000552.5 (MANE Select); coding-DNA position 3515, G replaced by T.
Protein change: p.Gly1172Val; replaces glycine 1172 with valine.
Molecular consequence: missense variant.
Genome position (GRCh38, 1-based): chr12:6,022,763, C>A on the plus strand (G>T on the coding strand, the complement: VWF is on the minus strand). VCF-style: chr12-6022763-C-A. GRCh37 (hg19) VCF-style: chr12-6131929-C-A.
Other names: NM_000552.5(VWF):c.3515G>T; p.Gly1172Val; short protein forms G1172V.
Identifiers: ClinVar variation 1684007 (VCV001684007.2), dbSNP rs1555195293, ClinGen allele CA383511196.